The following is an entry in ClinVar:

NM_001103146.3(GIGYF2):c.1907A>G (p.Tyr636Cys)

Gene: GIGYF2 (GRB10 interacting GYF protein 2; plus strand). Cytogenetic location: 2q37.1.
Variant type: single nucleotide variant.
Coding change: c.1907A>G on transcript NM_001103146.3 (MANE Select); coding-DNA position 1907, A replaced by G.
Protein change: p.Tyr636Cys; replaces tyrosine 636 with cysteine.
Molecular consequence: missense variant. On other transcripts: non-coding transcript variant (1).
Genome position (GRCh38, 1-based): chr2:232,811,252, A>G. VCF-style: chr2-232811252-A-G. GRCh37 (hg19) VCF-style: chr2-233675962-A-G.
Other names: c.1970A>G, p.Tyr657Cys (NM_001103147.2); c.1889A>G, p.Tyr630Cys (NM_001103148.2); c.1907A>G, p.Tyr636Cys (NM_015575.4); short protein forms Y630C, Y636C, Y657C.
Identifiers: ClinVar variation 1303820 (VCV001303820.2), dbSNP rs764554142, ClinGen allele CA66997847.

ClinVar aggregate classification (germline): Uncertain significance (1 of 4 stars; one submission).

Allele frequency attached by ClinVar (database versions not stated): gnomAD exomes below 0.00001 and 0.00001; gnomAD 0.00002 and 0.00003; TOPMed 0.00003.
gnomAD v4.1: 14 of 1,592,522 alleles (0.00088%); highest among the groups gnomAD compares: East Asian, 0.0022%; no homozygotes.

Submission:

GeneDx
Classification: Uncertain significance. Last evaluated: 2020-02-17. Review status: criteria provided, single submitter. Criteria: GeneDx Variant Classification Process June 2021. Collection method: clinical testing. Allele origin: germline. Affected: yes.
Comment: Not observed at a significant frequency in large population cohorts (Lek et al., 2016); In silico analysis supports that this missense variant has a deleterious effect on protein structure/function; Has not been previously published as pathogenic or benign to our knowledge